The following is an entry in ClinVar:

ClinVar aggregate classification (germline): Uncertain significance (1 of 4 stars; one submission).

Submission:

Labcorp Genetics (formerly Invitae), Labcorp
Classification: Uncertain significance. Last evaluated: 2024-07-09. Review status: criteria provided, single submitter. Criteria: Invitae Variant Classification Sherloc (09022015). Collection method: clinical testing. Allele origin: germline.
Comment: This sequence change replaces alanine, which is neutral and non-polar, with serine, which is neutral and polar, at codon 321 of the IFT57 protein (p.Ala321Ser). This variant is not present in population databases (gnomAD no frequency). This variant has not been reported in the literature in individuals affected with IFT57-related conditions. An algorithm developed to predict the effect of missense changes on protein structure and function (PolyPhen-2) suggests that this variant is likely to be tolerated. In summary, the available evidence is currently insufficient to determine the role of this variant in disease. Therefore, it has been classified as a Variant of Uncertain Significance.

NM_018010.4(IFT57):c.961G>T (p.Ala321Ser)

Gene: IFT57 (intraflagellar transport 57; minus strand). Cytogenetic location: 3q13.12.
Variant type: single nucleotide variant.
Coding change: c.961G>T on transcript NM_018010.4 (MANE Select); coding-DNA position 961, G replaced by T.
Protein change: p.Ala321Ser; replaces alanine 321 with serine.
Molecular consequence: missense variant.
Genome position (GRCh38, 1-based): chr3:108,166,874, C>A on the plus strand (G>T on the coding strand, the complement: IFT57 is on the minus strand). VCF-style: chr3-108166874-C-A. GRCh37 (hg19) VCF-style: chr3-107885721-C-A.
Other names: short protein forms A321S.
Identifiers: ClinVar variation 3688301 (VCV003688301.2).
Genomic context (GRCh38, chr3:108,166,874, plus strand): 5'-GTTAACTTGAATAAATCCTTGGAAATCATTCTTAAATTACCTCACTCAGCTGGGCTTGAG[C>A]TGCACGATATTCTTGAACCAAATTCTCAAGCTGATTGTTGATGTACTTTTCTCGGCTGCT-3'
Protein context (NP_060480.1, residues 311-331): LENLVQEYRA[Ala321Ser]QAQLSEAKER